The following is an entry in ClinVar:

ClinVar aggregate classification (germline): Uncertain significance. Review status: criteria provided, multiple submitters, no conflicts (2 of 4 stars). 3 submissions from 3 submitters: Uncertain significance (2). 1 of the submissions does not count toward it. Last evaluated 2025-07-15.

Conditions:
Inborn genetic diseases. Identifiers: MedGen C0950123, MeSH D030342.
Ornithine aminotransferase deficiency (GACR). Also called: Ornithine ketoacid aminotransferase deficiency; Gyrate atrophy; Gyrate atrophy of choroid and retina; Girate atrophy of the retina; OAT DEFICIENCY; OKT DEFICIENCY. Identifiers: Orphanet 414, MedGen C0018425, MONDO:0009796, OMIM 258870.

Allele frequency attached by ClinVar (database versions not stated): ExAC 0.00001; gnomAD 0.00001; TOPMed 0.00001.
gnomAD v4.1: 7 of 1,614,050 alleles (0.00043%); highest among the groups gnomAD compares: Non-Finnish European, 0.00059%; no homozygotes.

Submissions (3):

Ambry Genetics
Classification: Uncertain significance for Inborn genetic diseases. Last evaluated: 2025-07-15. Review status: criteria provided, single submitter. Criteria: Ambry Variant Classification Scheme 2023. Collection method: clinical testing. Allele origin: germline.

Labcorp Genetics (formerly Invitae), Labcorp
Classification: Uncertain significance for Ornithine aminotransferase deficiency. Last evaluated: 2024-10-25. Review status: criteria provided, single submitter. Criteria: Invitae Variant Classification Sherloc (09022015). Collection method: clinical testing. Allele origin: germline.
Comment: This sequence change replaces valine, which is neutral and non-polar, with isoleucine, which is neutral and non-polar, at codon 240 of the OAT protein (p.Val240Ile). This variant is present in population databases (rs777488833, gnomAD 0.002%). This variant has not been reported in the literature in individuals affected with OAT-related conditions. ClinVar contains an entry for this variant (Variation ID: 991858). Invitae Evidence Modeling of protein sequence and biophysical properties (such as structural, functional, and spatial information, amino acid conservation, physicochemical variation, residue mobility, and thermodynamic stability) indicates that this missense variant is not expected to disrupt OAT protein function with a negative predictive value of 80%. In summary, the available evidence is currently insufficient to determine the role of this variant in disease. Therefore, it has been classified as a Variant of Uncertain Significance.

Natera, Inc.
Classification: Uncertain significance for Gyrate atrophy. Last evaluated: 2020-04-11. Review status: no assertion criteria provided. Collection method: clinical testing. Allele origin: germline. Not counted in ClinVar's aggregate classification.

NM_000274.4(OAT):c.718G>A (p.Val240Ile)

Genes: OAT (ornithine aminotransferase; minus strand), LOC121815974 (Sharpr-MPRA regulatory region 15365; plus strand). Cytogenetic location: 10q26.13.
Variant type: single nucleotide variant.
Coding change: c.718G>A on transcript NM_000274.4 (MANE Select); coding-DNA position 718, G replaced by A.
Protein change: p.Val240Ile; replaces valine 240 with isoleucine.
Molecular consequence: missense variant.
Genome position (GRCh38, 1-based): chr10:124,403,851, C>T on the plus strand (G>A on the coding strand, the complement: OAT is on the minus strand). VCF-style: chr10-124403851-C-T. GRCh37 (hg19) VCF-style: chr10-126092420-C-T.
Other names: c.304G>A, p.Val102Ile (NM_001171814.2); c.718G>A, p.Val240Ile (NM_001322965.2, NM_001322966.2, NM_001322967.2 and 3 more transcripts); c.397G>A, p.Val133Ile (NM_001322971.2); c.118G>A, p.Val40Ile (NM_001322974.2); c.718G>A (NM_000274.3); short protein forms V102I, V133I, V240I, V40I.
Identifiers: ClinVar variation 991858 (VCV000991858.8), dbSNP rs777488833, ClinGen allele CA5733455.
Genomic context (GRCh38, chr10:124,403,851, plus strand): 5'-TGACAACCTGGTGCCTGGTGCAGAGCTCTCGCACTCCCATTAGGTAACCTGGATCCGGAA[C>T]AACAACGCCTGCTTCACCCTGAATTGGTTCTACCATGAACGCAGCCACATTTGGATCCTG-3'
Protein context (NP_000265.1, residues 230-250): EPIQGEAGVV[Val240Ile]PDPGYLMGVR